The following is an entry in ClinVar:

ClinVar aggregate classification (germline): Uncertain significance (1 of 4 stars; one submission).

Conditions:
Hereditary cancer-predisposing syndrome. Also called: Tumor predisposition; Neoplastic Syndromes, Hereditary; Hereditary Cancer Syndrome; Hereditary neoplastic syndrome. Identifiers: Orphanet 140162, MedGen C0027672, MeSH D009386, MONDO:0015356.

Submission:

Ambry Genetics
Classification: Uncertain significance for Hereditary cancer-predisposing syndrome. Last evaluated: 2023-04-28. Review status: criteria provided, single submitter. Criteria: Ambry Variant Classification Scheme 2023. Collection method: clinical testing. Allele origin: germline.
Comment: The p.P38S variant (also known as c.112C>T), located in coding exon 2 of the XRCC2 gene, results from a C to T substitution at nucleotide position 112. The proline at codon 38 is replaced by serine, an amino acid with similar properties. This amino acid position is well conserved in available vertebrate species; however, serine is the reference amino acid in other vertebrate species. In addition, this alteration is predicted to be tolerated by in silico analysis. Since supporting evidence is limited at this time, the clinical significance of this alteration remains unclear.

NM_005431.2(XRCC2):c.112C>T (p.Pro38Ser)

Gene: XRCC2 (X-ray repair cross complementing 2; minus strand). Cytogenetic location: 7q36.1.
Variant type: single nucleotide variant.
Coding change: c.112C>T on transcript NM_005431.2 (MANE Select); coding-DNA position 112, C replaced by T.
Protein change: p.Pro38Ser; replaces proline 38 with serine.
Molecular consequence: missense variant.
Genome position (GRCh38, 1-based): chr7:152,660,710, G>A on the plus strand (C>T on the coding strand, the complement: XRCC2 is on the minus strand). VCF-style: chr7-152660710-G-A. GRCh37 (hg19) VCF-style: chr7-152357795-G-A.
Other names: short protein forms P38S.
Identifiers: ClinVar variation 1727900 (VCV001727900.3), dbSNP rs2485896765, ClinGen allele CA370199409.